The following is an entry in ClinVar:

ClinVar aggregate classification (germline): Pathogenic (1 of 4 stars; one submission).

Conditions:
PHKB-related disorder. Also called: PHKB-related condition.

gnomAD v4.1: 4 of 1,584,726 alleles (0.00025%); highest among the groups gnomAD compares: African/African-American, 0.0013%; no homozygotes.

Submission:

PreventionGenetics, part of Exact Sciences
Classification: Pathogenic for PHKB-related condition. Last evaluated: 2025-08-06. Review status: criteria provided, single submitter. Criteria: ACMG Guidelines, 2015. Collection method: clinical testing. Allele origin: germline.
Comment: The PHKB c.1570C>T variant is predicted to result in premature protein termination (p.Gln524*). To our knowledge, this variant has not been reported in the literature or in a large population database (gnomAD), indicating this variant is rare. Nonsense variants in PHKB are expected to be pathogenic. This variant is interpreted as pathogenic.

NM_000293.3(PHKB):c.1591C>T (p.Gln531Ter)

Gene: PHKB (phosphorylase kinase regulatory subunit beta; plus strand). Cytogenetic location: 16q12.1.
Variant type: single nucleotide variant.
Coding change: c.1591C>T on transcript NM_000293.3 (MANE Select); coding-DNA position 1591, C replaced by T.
Protein change: p.Gln531Ter; replaces glutamine 531 with a stop codon.
Molecular consequence: nonsense.
Genome position (GRCh38, 1-based): chr16:47,641,675, C>T. VCF-style: chr16-47641675-C-T. GRCh37 (hg19) VCF-style: chr16-47675586-C-T.
Other names: c.1570C>T, p.Gln524Ter (NM_001031835.3); c.1591C>T, p.Gln531Ter (NM_001363837.1); short protein forms Q524*, Q531*.
Identifiers: ClinVar variation 4977558 (VCV004977558.1).